The following is an entry in ClinVar:

NM_015559.3(SETBP1):c.1366G>A (p.Glu456Lys)

Gene: SETBP1 (SET binding protein 1; plus strand). Cytogenetic location: 18q12.3.
Variant type: single nucleotide variant.
Coding change: c.1366G>A on transcript NM_015559.3 (MANE Select); coding-DNA position 1366, G replaced by A.
Protein change: p.Glu456Lys; replaces glutamic acid 456 with lysine.
Molecular consequence: missense variant.
Genome position (GRCh38, 1-based): chr18:44,950,706, G>A. VCF-style: chr18-44950706-G-A. GRCh37 (hg19) VCF-style: chr18-42530671-G-A.
Other names: c.1366G>A, p.Glu456Lys (NM_001379141.1, NM_001379142.1); c.1366G>A (NM_015559.2); short protein forms E456K.
Identifiers: ClinVar variation 1482617 (VCV001482617.9), dbSNP rs2145097367, ClinGen allele CA402318372.

ClinVar aggregate classification (germline): Uncertain significance. Review status: criteria provided, multiple submitters, no conflicts (2 of 4 stars). 2 submissions from 2 submitters: Uncertain significance (2). Last evaluated 2024-06-10.

Conditions:
Inborn genetic diseases. Identifiers: MedGen C0950123, MeSH D030342.

Submissions (2):

Labcorp Genetics (formerly Invitae), Labcorp
Classification: Uncertain significance. Last evaluated: 2024-06-10. Review status: criteria provided, single submitter. Criteria: Invitae Variant Classification Sherloc (09022015). Collection method: clinical testing. Allele origin: germline.
Comment: This sequence change replaces glutamic acid, which is acidic and polar, with lysine, which is basic and polar, at codon 456 of the SETBP1 protein (p.Glu456Lys). This variant is not present in population databases (gnomAD no frequency). This variant has not been reported in the literature in individuals affected with SETBP1-related conditions. ClinVar contains an entry for this variant (Variation ID: 1482617). Advanced modeling of protein sequence and biophysical properties (such as structural, functional, and spatial information, amino acid conservation, physicochemical variation, residue mobility, and thermodynamic stability) performed at Invitae indicates that this missense variant is not expected to disrupt SETBP1 protein function with a negative predictive value of 80%. In summary, the available evidence is currently insufficient to determine the role of this variant in disease. Therefore, it has been classified as a Variant of Uncertain Significance.

Ambry Genetics
Classification: Uncertain significance for Inborn genetic diseases. Last evaluated: 2020-11-03. Review status: criteria provided, single submitter. Criteria: Ambry Variant Classification Scheme 2023. Collection method: clinical testing. Allele origin: germline.
Comment: The c.1366G>A (p.E456K) alteration is located in exon 4 (coding exon 3) of the SETBP1 gene. This alteration results from a G to A substitution at nucleotide position 1366, causing the glutamic acid (E) at amino acid position 456 to be replaced by a lysine (K). The p.E456K alteration is predicted to be tolerated by in silico analysis. Based on insufficient or conflicting evidence, the clinical significance of this alteration remains unclear.